The following is an entry in ClinVar:

NM_001101.5(ACTB):c.426G>T (p.Leu142=)

Gene: ACTB (actin beta; minus strand). Cytogenetic location: 7p22.1.
Variant type: single nucleotide variant.
Coding change: c.426G>T on transcript NM_001101.5 (MANE Select); coding-DNA position 426, G replaced by T.
Protein change: p.Leu142=; no amino-acid change (leucine 142 retained).
Molecular consequence: synonymous variant.
Genome position (GRCh38, 1-based): chr7:5,528,657, C>A on the plus strand (G>T on the coding strand, the complement: ACTB is on the minus strand). VCF-style: chr7-5528657-C-A. GRCh37 (hg19) VCF-style: chr7-5568288-C-A.
Other names: p.Leu142=; c.426G>T (LRG_132t1).
Identifiers: ClinVar variation 381870 (VCV000381870.50), dbSNP rs79074016, ClinGen allele CA4147003.

ClinVar aggregate classification (germline): Benign/Likely benign. Review status: criteria provided, multiple submitters, no conflicts (2 of 4 stars). 12 submissions from 11 submitters: Benign (7); Likely benign (1). 4 of the submissions do not count toward it. Last evaluated 2026-09-01.

Conditions:
Developmental malformations-deafness-dystonia syndrome (DDS1). Identifiers: Orphanet 79107, MedGen C5848323, MONDO:0011823, OMIM 607371.
Baraitser-Winter syndrome 1 (BRWS1). Also called: BARAITSER-WINTER SYNDROME 1, ATYPICAL; PACHYGYRIA, MENTAL RETARDATION, EPILEPSY, AND CHARACTERISTIC FACIES; MENTAL RETARDATION WITH EPILEPSY AND CHARACTERISTIC FACIES; Cerebrofrontofacial syndrome. Identifiers: Orphanet 2649, Orphanet 2995, MedGen C1855722, MONDO:0009470, OMIM 243310.
ACTB-related disorder. Also called: ACTB-related condition; ACTB-related disorders.

Allele frequency attached by ClinVar (database versions not stated): 1000 Genomes Project 0.00200; 1000 Genomes Project 30x 0.00250; gnomAD 0.00353 and 0.00359; TOPMed 0.00386; ESP Exome Variant Server 0.00431; ExAC 0.00457; gnomAD exomes 0.00463 and 0.00574.
gnomAD v4.1: 8,941 of 1,613,986 alleles (0.55%); highest among the groups gnomAD compares: Non-Finnish European, 0.62%; 34 homozygotes.

Submissions (12):

CeGaT Center for Human Genetics Tuebingen
Classification: Benign. Last evaluated: 2026-09-01. Review status: criteria provided, single submitter. Criteria: CeGaT Center For Human Genetics Tuebingen Variant Classification Criteria Version 2. Collection method: clinical testing. Allele origin: germline. Affected: yes. Observed: 24 variant alleles.
Comment: ACTB: BP4, BS1, BS2

Labcorp Genetics (formerly Invitae), Labcorp
Classification: Benign for Baraitser-Winter syndrome 1. Last evaluated: 2026-02-03. Review status: criteria provided, single submitter. Criteria: Invitae Variant Classification Sherloc (09022015). Collection method: clinical testing. Allele origin: germline.

Blueprint Genetics
Classification: Benign. Last evaluated: 2024-11-18. Review status: criteria provided, single submitter. Criteria: ACMG Guidelines, 2015. Collection method: clinical testing. Allele origin: germline.

Mayo Clinic Laboratories, Mayo Clinic
Classification: Benign. Last evaluated: 2023-08-22. Review status: criteria provided, single submitter. Criteria: ACMG Guidelines, 2015. Collection method: clinical testing. Allele origin: germline. Observed: 8 variant alleles.
Comment: BS1, BS2, BP4

Genome-Nilou Lab
Classification: Benign for Baraitser-Winter syndrome 1. Last evaluated: 2021-12-05. Review status: criteria provided, single submitter. Criteria: ACMG Guidelines, 2015. Collection method: clinical testing. Allele origin: germline. Affected: no.

Genome-Nilou Lab
Classification: Benign for Developmental malformations-deafness-dystonia syndrome. Last evaluated: 2021-12-05. Review status: criteria provided, single submitter. Criteria: ACMG Guidelines, 2015. Collection method: clinical testing. Allele origin: germline. Affected: no.

Fulgent Genetics
Classification: Likely benign for Baraitser-Winter syndrome 1; Developmental malformations-deafness-dystonia syndrome. Last evaluated: 2021-07-19. Review status: criteria provided, single submitter. Criteria: ACMG Guidelines, 2015. Collection method: clinical testing. Allele origin: unknown.

GeneDx
Classification: Benign. Last evaluated: 2017-03-22. Review status: criteria provided, single submitter. Criteria: GeneDx Variant Classification (06012015). Collection method: clinical testing. Allele origin: germline. Affected: yes.
Comment: This variant is considered likely benign or benign based on one or more of the following criteria: it is a conservative change, it occurs at a poorly conserved position in the protein, it is predicted to be benign by multiple in silico algorithms, and/or has population frequency not consistent with disease.

PreventionGenetics, part of Exact Sciences
Classification: Benign for ACTB-related condition. Last evaluated: 2019-04-22. Review status: no assertion criteria provided. Collection method: clinical testing. Allele origin: germline. Not counted in ClinVar's aggregate classification.
Comment: This variant is classified as benign based on ACMG/AMP sequence variant interpretation guidelines (Richards et al. 2015 PMID: 25741868, with internal and published modifications).

Clinical Genetics DNA and cytogenetics Diagnostics Lab, Erasmus MC, Erasmus Medical Center
Classification: Likely benign. Review status: no assertion criteria provided. Collection method: clinical testing. Allele origin: germline. Affected: yes. Study: VKGL Data-share Consensus. Not counted in ClinVar's aggregate classification.

Joint Genome Diagnostic Labs from Nijmegen and Maastricht, Radboudumc and MUMC+
Classification: Likely benign. Review status: no assertion criteria provided. Collection method: clinical testing. Allele origin: germline. Affected: yes. Study: VKGL Data-share Consensus. Not counted in ClinVar's aggregate classification.

Laboratory of Diagnostic Genome Analysis, Leiden University Medical Center (LUMC)
Classification: Benign. Review status: no assertion criteria provided. Collection method: clinical testing. Allele origin: germline. Affected: yes. Study: VKGL Data-share Consensus. Not counted in ClinVar's aggregate classification.